The following is an entry in ClinVar:

NM_012238.5(SIRT1):c.2066T>A (p.Met689Lys)

Gene: SIRT1 (sirtuin 1; plus strand). Cytogenetic location: 10q21.3.
Variant type: single nucleotide variant.
Coding change: c.2066T>A on transcript NM_012238.5 (MANE Select); coding-DNA position 2066, T replaced by A.
Protein change: p.Met689Lys; replaces methionine 689 with lysine.
Molecular consequence: missense variant.
Genome position (GRCh38, 1-based): chr10:67,916,415, T>A. VCF-style: chr10-67916415-T-A. GRCh37 (hg19) VCF-style: chr10-69676172-T-A.
Other names: c.1181T>A, p.Met394Lys (NM_001142498.2); c.1157T>A, p.Met386Lys (NM_001314049.2); short protein forms M394K, M386K, M689K.
Identifiers: ClinVar variation 1953990 (VCV001953990.5), dbSNP rs750707792, ClinGen allele CA377052706.

ClinVar aggregate classification (germline): Uncertain significance (1 of 4 stars; one submission).

Submission:

Labcorp Genetics (formerly Invitae), Labcorp
Classification: Uncertain significance. Last evaluated: 2022-04-25. Review status: criteria provided, single submitter. Criteria: Invitae Variant Classification Sherloc (09022015). Collection method: clinical testing. Allele origin: germline.
Comment: In summary, the available evidence is currently insufficient to determine the role of this variant in disease. Therefore, it has been classified as a Variant of Uncertain Significance. This sequence change replaces methionine, which is neutral and non-polar, with lysine, which is basic and polar, at codon 689 of the SIRT1 protein (p.Met689Lys). This variant is not present in population databases (gnomAD no frequency). This variant has not been reported in the literature in individuals affected with SIRT1-related conditions. Algorithms developed to predict the effect of missense changes on protein structure and function (SIFT, PolyPhen-2, Align-GVGD) all suggest that this variant is likely to be tolerated.